The following is an entry in ClinVar:

ClinVar aggregate classification (germline): Uncertain significance (1 of 4 stars; one submission).

Allele frequency attached by ClinVar (database versions not stated): gnomAD 0.00001; gnomAD exomes 0.00001.

Submission:

Labcorp Genetics (formerly Invitae), Labcorp
Classification: Uncertain significance. Last evaluated: 2021-08-09. Review status: criteria provided, single submitter. Criteria: Invitae Variant Classification Sherloc (09022015). Collection method: clinical testing. Allele origin: germline.
Comment: In summary, the available evidence is currently insufficient to determine the role of this variant in disease. Therefore, it has been classified as a Variant of Uncertain Significance. Algorithms developed to predict the effect of missense changes on protein structure and function are either unavailable or do not agree on the potential impact of this missense change (SIFT: "Deleterious"; PolyPhen-2: "Benign"; Align-GVGD: "Class C0"). This variant has not been reported in the literature in individuals affected with KIAA1549-related conditions. This variant is not present in population databases (ExAC no frequency). This sequence change replaces alanine with threonine at codon 140 of the KIAA1549 protein (p.Ala140Thr). The alanine residue is moderately conserved and there is a small physicochemical difference between alanine and threonine.

NM_001164665.2(KIAA1549):c.418G>A (p.Ala140Thr)

Gene: KIAA1549 (KIAA1549; minus strand). Cytogenetic location: 7q34.
Variant type: single nucleotide variant.
Coding change: c.418G>A on transcript NM_001164665.2 (MANE Select); coding-DNA position 418, G replaced by A.
Protein change: p.Ala140Thr; replaces alanine 140 with threonine.
Molecular consequence: missense variant.
Genome position (GRCh38, 1-based): chr7:138,919,208, C>T on the plus strand (G>A on the coding strand, the complement: KIAA1549 is on the minus strand). VCF-style: chr7-138919208-C-T. GRCh37 (hg19) VCF-style: chr7-138603954-C-T.
Other names: c.418G>A, p.Ala140Thr (NM_020910.3); short protein forms A140T.
Identifiers: ClinVar variation 1507143 (VCV001507143.6), dbSNP rs1316064182, ClinGen allele CA369403110.